The following is an entry in ClinVar:

ClinVar aggregate classification (germline): Pathogenic (1 of 4 stars; one submission).

Conditions:
Intellectual developmental disorder, autosomal dominant 52. Also called: Intellectual disability, autosomal dominant 52; Mental retardation, autosomal dominant 52. Identifiers: MedGen C4540478, MONDO:0030918, OMIM 617796.

Submission:

Victorian Clinical Genetics Services, Murdoch Childrens Research Institute
Classification: Pathogenic for Intellectual developmental disorder, autosomal dominant 52. Last evaluated: 2024-11-19. Review status: criteria provided, single submitter. Criteria: ACMG Guidelines, 2015. Collection method: clinical testing. Allele origin: germline. Affected: yes.
Comment: This variant is classified as Pathogenic. Evidence in support of pathogenic classification: Variant is predicted to cause nonsense-mediated decay (NMD) and loss of protein (premature termination codon is located at least 54 nucleotides upstream of the final exon-exon junction); Variant is absent from gnomAD (both v2 and v3); Other NMD-predicted variants comparable to the one identified in this case have very strong previous evidence for pathogenicity (DECIPHER). Additional information: This variant is heterozygous; This gene is associated with autosomal dominant disease; This variant has no previous evidence of pathogenicity; No published segregation evidence has been identified for this variant; No published functional evidence has been identified for this variant; Loss of function is a known mechanism of disease in this gene and is associated with intellectual developmental disorder, autosomal dominant 52 (MIM#617796); Inheritance information for this variant is not currently available in this individual.

NM_018489.3(ASH1L):c.7021dup (p.Gln2341fs)

Gene: ASH1L (ASH1 like histone lysine methyltransferase; minus strand). Cytogenetic location: 1q22.
Variant type: Duplication.
Coding change: c.7021dup on transcript NM_018489.3 (MANE Select); coding-DNA position 7021, one base duplicated (C; older notation c.7021dupC).
Protein change: p.Gln2341fs; shifts the reading frame from glutamine 2341.
Molecular consequence: frameshift variant.
Genome position (GRCh38, 1-based): chr1:155,357,350, G duplicated on the plus strand (C on the coding strand, the reverse complement: ASH1L is on the minus strand); the first of 6 consecutive G bases (chr1:155,357,350-155,357,355); duplicating any one gives the same sequence. VCF-style (leftmost placement, unchanged base first): chr1-155357349-T-TG. GRCh37 (hg19) VCF-style: chr1-155327140-T-TG.
Other names: c.7036dup, p.Gln2346fs (NM_001366177.2); short protein forms Q2341fs, Q2346fs.
Identifiers: ClinVar variation 3254705 (VCV003254705.3), dbSNP rs2525806571.